The following is an entry in ClinVar:

NM_001283009.2(RTEL1):c.904G>T (p.Asp302Tyr)

Genes: RTEL1 (regulator of telomere elongation helicase 1; plus strand), RTEL1-TNFRSF6B (RTEL1-TNFRSF6B readthrough (NMD candidate); plus strand). Cytogenetic location: 20q13.33.
Variant type: single nucleotide variant.
Coding change: c.904G>T on transcript NM_001283009.2 (MANE Select); coding-DNA position 904, G replaced by T.
Protein change: p.Asp302Tyr; replaces aspartic acid 302 with tyrosine.
Molecular consequence: missense variant. On other transcripts: non-coding transcript variant (1).
Genome position (GRCh38, 1-based): chr20:63,674,078, G>T. VCF-style: chr20-63674078-G-T. GRCh37 (hg19) VCF-style: chr20-62305431-G-T.
Other names: c.235G>T, p.Asp79Tyr (NM_001283010.1); c.904G>T, p.Asp302Tyr (NM_016434.4); c.976G>T, p.Asp326Tyr (NM_032957.5); short protein forms D326Y, D79Y, D302Y.
Identifiers: ClinVar variation 2932510 (VCV002932510.5), dbSNP rs1445089963, ClinGen allele CA409673067.

ClinVar aggregate classification (germline): Uncertain significance. Review status: criteria provided, multiple submitters, no conflicts (2 of 4 stars). 3 submissions from 3 submitters: Uncertain significance (3). Last evaluated 2026-01-22.

Conditions:
Pulmonary fibrosis and/or bone marrow failure, Telomere-related, 3. Also called: PULMONARY FIBROSIS AND/OR BONE MARROW FAILURE SYNDROME, TELOMERE-RELATED, 3. Identifiers: Orphanet 2032, MedGen C4225346, MONDO:0014613, OMIM 616373.
Dyskeratosis congenita, autosomal recessive 5 (DKCB5). Identifiers: MedGen C3554656, MONDO:0014076, OMIM 615190.
Inborn genetic diseases. Identifiers: MedGen C0950123, MeSH D030342.

Allele frequency attached by ClinVar (database versions not stated): TOPMed below 0.00001; gnomAD 0.00001; gnomAD exomes 0.00001.
gnomAD v4.1: 4 of 1,611,334 alleles (0.00025%); highest among the groups gnomAD compares: Non-Finnish European, 0.00034%; no homozygotes.

Submissions (3):

GeneDx
Classification: Uncertain significance. Last evaluated: 2026-01-22. Review status: criteria provided, single submitter. Criteria: GeneDx Variant Classification Process June 2021. Collection method: clinical testing. Allele origin: germline.
Comment: Not observed at significant frequency in large population cohorts (gnomAD); In silico analysis supports that this missense variant has a deleterious effect on protein structure/function; Has not been previously published as pathogenic or benign to our knowledge; In silico analysis suggests this variant may impact gene splicing. In the absence of RNA/functional studies, the actual effect of this sequence change is unknown.

Ambry Genetics
Classification: Uncertain significance for Inborn genetic diseases. Last evaluated: 2024-10-04. Review status: criteria provided, single submitter. Criteria: Ambry Variant Classification Scheme 2023. Collection method: clinical testing. Allele origin: germline.
Comment: The p.D302Y variant (also known as c.904G>T), located in coding exon 9 of the RTEL1 gene, results from a G to T substitution at nucleotide position 904. The aspartic acid at codon 302 is replaced by tyrosine, an amino acid with highly dissimilar properties. This amino acid position is conserved. In addition, the in silico prediction for this alteration is inconclusive. Based on the available evidence, the clinical significance of this variant remains unclear.

Labcorp Genetics (formerly Invitae), Labcorp
Classification: Uncertain significance for Dyskeratosis congenita, autosomal recessive 5; Pulmonary fibrosis and/or bone marrow failure, Telomere-related, 3. Last evaluated: 2024-08-05. Review status: criteria provided, single submitter. Criteria: Invitae Variant Classification Sherloc (09022015). Collection method: clinical testing. Allele origin: germline.
Comment: This sequence change replaces aspartic acid, which is acidic and polar, with tyrosine, which is neutral and polar, at codon 302 of the RTEL1 protein (p.Asp302Tyr). The frequency data for this variant in the population databases is considered unreliable, as metrics indicate poor data quality at this position in the gnomAD database. This variant has not been reported in the literature in individuals affected with RTEL1-related conditions. An algorithm developed to predict the effect of missense changes on protein structure and function (PolyPhen-2) suggests that this variant is likely to be disruptive. Algorithms developed to predict the effect of sequence changes on RNA splicing suggest that this variant may disrupt the consensus splice site. In summary, the available evidence is currently insufficient to determine the role of this variant in disease. Therefore, it has been classified as a Variant of Uncertain Significance.